The following is an entry in ClinVar:

ClinVar aggregate classification (germline): Pathogenic (1 of 4 stars; one submission).

Submission:

Labcorp Genetics (formerly Invitae), Labcorp
Classification: Pathogenic. Last evaluated: 2023-12-21. Review status: criteria provided, single submitter. Criteria: Invitae Variant Classification Sherloc (09022015). Collection method: clinical testing. Allele origin: germline.
Comment: This sequence change creates a premature translational stop signal (p.Gly488*) in the SLC27A4 gene. It is expected to result in an absent or disrupted protein product. Loss-of-function variants in SLC27A4 are known to be pathogenic (PMID: 19631310, 21450060). This variant is not present in population databases (gnomAD no frequency). This variant has not been reported in the literature in individuals affected with SLC27A4-related conditions. Algorithms developed to predict the effect of sequence changes on RNA splicing suggest that this variant may disrupt the consensus splice site. For these reasons, this variant has been classified as Pathogenic.

Literature cited by the submitters: PubMed 19631310; PubMed 21450060.

NM_005094.4(SLC27A4):c.1461_1462del (p.Thr487_Gly488insTer)

Gene: SLC27A4 (solute carrier family 27 member 4; plus strand). Cytogenetic location: 9q34.11.
Variant type: Deletion.
Coding change: c.1461_1462del on transcript NM_005094.4 (MANE Select); coding-DNA positions 1461 to 1462, 2 bases deleted (TG; older notation c.1461_1462delTG).
Protein change: p.Thr487_Gly488insTer.
Molecular consequence: frameshift variant.
Genome position (GRCh38, 1-based): chr9:128,355,189-128,355,190, TG deleted. VCF-style (leftmost placement, unchanged base first): chr9-128355188-CTG-C. GRCh37 (hg19) VCF-style: chr9-131117467-CTG-C.
Identifiers: ClinVar variation 2704558 (VCV002704558.3), dbSNP rs763625583, ClinGen allele CA5261300.